The following is an entry in ClinVar:

ClinVar aggregate classification (germline): Uncertain significance (1 of 4 stars; one submission).

Conditions:
Saldino-Mainzer syndrome (SRTD9). Also called: Renal dysplasia, retinal pigmentary dystrophy, cerebellar ataxia and skeletal dysplasia; CONORENAL SYNDROME; short-rib thoracic dysplasia 9 with or without polydactyly; SHORT-RIB THORACIC DYSPLASIA 9 WITHOUT POLYDACTYLY. Identifiers: Orphanet 140969, MedGen C1849437, MONDO:0009964, OMIM 266920.

Submission:

Labcorp Genetics (formerly Invitae), Labcorp
Classification: Uncertain significance for Saldino-Mainzer syndrome. Last evaluated: 2023-05-08. Review status: criteria provided, single submitter. Criteria: Invitae Variant Classification Sherloc (09022015). Collection method: clinical testing. Allele origin: germline.
Comment: This variant has not been reported in the literature in individuals affected with IFT140-related conditions. This variant is not present in population databases (gnomAD no frequency). This sequence change replaces valine, which is neutral and non-polar, with alanine, which is neutral and non-polar, at codon 1108 of the IFT140 protein (p.Val1108Ala). ClinVar contains an entry for this variant (Variation ID: 1930839). In summary, the available evidence is currently insufficient to determine the role of this variant in disease. Therefore, it has been classified as a Variant of Uncertain Significance. Advanced modeling of protein sequence and biophysical properties (such as structural, functional, and spatial information, amino acid conservation, physicochemical variation, residue mobility, and thermodynamic stability) performed at Invitae indicates that this missense variant is not expected to disrupt IFT140 protein function.

NM_014714.4(IFT140):c.3323T>C (p.Val1108Ala)

Gene: IFT140 (intraflagellar transport 140; minus strand). Cytogenetic location: 16p13.3.
Variant type: single nucleotide variant.
Coding change: c.3323T>C on transcript NM_014714.4 (MANE Select); coding-DNA position 3323, T replaced by C.
Protein change: p.Val1108Ala; replaces valine 1108 with alanine.
Molecular consequence: missense variant.
Genome position (GRCh38, 1-based): chr16:1,523,648, A>G on the plus strand (T>C on the coding strand, the complement: IFT140 is on the minus strand). VCF-style: chr16-1523648-A-G. GRCh37 (hg19) VCF-style: chr16-1573649-A-G.
Other names: short protein forms V1108A.
Identifiers: ClinVar variation 1930839 (VCV001930839.5), dbSNP rs1310527952, ClinGen allele CA394225409.